The following is an entry in ClinVar:

ClinVar aggregate classification (germline): Uncertain significance (1 of 4 stars; one submission).

Conditions:
Shprintzen-Goldberg syndrome (SGS). Also called: Marfanoid disorder with craniosynostosis type 1; Marfanoid craniosynostosis syndrome; Shprintzen-Goldberg marfanoid syndrome; SHPRINTZEN-GOLDBERG CRANIOSYNOSTOSIS SYNDROME; CRANIOSYNOSTOSIS WITH ARACHNODACTYLY AND ABDOMINAL HERNIAS. Identifiers: Orphanet 2462, MedGen C1321551, MONDO:0008426, OMIM 182212.

Submission:

Labcorp Genetics (formerly Invitae), Labcorp
Classification: Uncertain significance for Shprintzen-Goldberg syndrome. Last evaluated: 2020-09-02. Review status: criteria provided, single submitter. Criteria: Invitae Variant Classification Sherloc (09022015). Collection method: clinical testing. Allele origin: germline.
Comment: In summary, the available evidence is currently insufficient to determine the role of this variant in disease. Therefore, it has been classified as a Variant of Uncertain Significance. Advanced modeling of protein sequence and biophysical properties (such as structural, functional, and spatial information, amino acid conservation, physicochemical variation, residue mobility, and thermodynamic stability) performed at Invitae indicates that this missense variant is not expected to disrupt SKI protein function. This variant has not been reported in the literature in individuals with SKI-related conditions. This variant is not present in population databases (ExAC no frequency). This sequence change replaces proline with threonine at codon 452 of the SKI protein (p.Pro452Thr). The proline residue is highly conserved and there is a small physicochemical difference between proline and threonine.

NM_003036.4(SKI):c.1354C>A (p.Pro452Thr)

Gene: SKI (SKI proto-oncogene; plus strand). Cytogenetic location: 1p36.32.
Variant type: single nucleotide variant.
Coding change: c.1354C>A on transcript NM_003036.4 (MANE Select); coding-DNA position 1354, C replaced by A.
Protein change: p.Pro452Thr; replaces proline 452 with threonine.
Molecular consequence: missense variant.
Genome position (GRCh38, 1-based): chr1:2,303,982, C>A. VCF-style: chr1-2303982-C-A. GRCh37 (hg19) VCF-style: chr1-2235421-C-A.
Other names: short protein forms P452T.
Identifiers: ClinVar variation 1042664 (VCV001042664.8), dbSNP rs1417738788, ClinGen allele CA337955401.